The following is an entry in ClinVar:

NM_006269.1:c.2321_2322insAlu

Gene: RP1 (RP1 axonemal microtubule associated; plus strand). Cytogenetic location: 8q11.23-12.1.
Variant type: Insertion.
Identifiers: ClinVar variation 870296 (VCV000870296.1).

ClinVar aggregate classification (germline): Pathogenic (1 of 4 stars; one submission).

Submission:

Labcorp Genetics (formerly Invitae), Labcorp
Classification: Pathogenic. Last evaluated: 2019-12-24. Review status: criteria provided, single submitter. Criteria: Invitae Variant Classification Sherloc (09022015). Collection method: clinical testing. Allele origin: germline.
Comment: This sequence change inserts a large fragment of DNA, likely a transposable element, in exon 4 of the RP1 gene (c.2321_2322insAlu), causing a frameshift at codon 774 (p.Leu774fs). The exact size and sequence of the insertion cannot be determined by the current assay. While this is not anticipated to result in nonsense mediated decay, it is expected to disrupt the last 1383 amino acids of the RP1 protein. This variant is not present in population databases (ExAC no frequency). This variant has been observed in individuals affected with autosomal dominant retinal disease (Invitae). This variant disrupts the C-terminus of the RP1 protein. Many variants that disrupt this region have been reported in individuals with either autosomal dominant or autosomal recessive retinitis pigmentosa (PMID: 11527933, 19933189, 29425069, 30027431). Therefore, variants that disrupt this region are expected to be disease-causing. For these reasons, this variant has been classified as Pathogenic.

Literature cited by the submitters: PubMed 30027431; PubMed 19933189; PubMed 11527933; PubMed 29425069.